The following is an entry in ClinVar:

NM_003476.5(CSRP3):c.214G>A (p.Gly72Arg)

Gene: CSRP3 (cysteine and glycine rich protein 3; minus strand). Cytogenetic location: 11p15.1.
Variant type: single nucleotide variant.
Coding change: c.214G>A on transcript NM_003476.5 (MANE Select); coding-DNA position 214, G replaced by A.
Protein change: p.Gly72Arg; replaces glycine 72 with arginine.
Molecular consequence: missense variant. On other transcripts: intron variant (1).
Genome position (GRCh38, 1-based): chr11:19,188,203, C>T on the plus strand (G>A on the coding strand, the complement: CSRP3 is on the minus strand). VCF-style: chr11-19188203-C-T. GRCh37 (hg19) VCF-style: chr11-19209750-C-T.
Other names: c.113-1855G>A (NM_001369404.1); short protein forms G72R.
Identifiers: ClinVar variation 1055352 (VCV001055352.14), dbSNP rs45552933, ClinGen allele CA5916623.
Genomic context (GRCh38, chr11:19,188,203, plus strand): 5'-ACTGCAGGCCGAGATGCTCGCCCGTGTCTGTGCTGAGACAGCCAGCGCCTTGTCCATACC[C>T]GATCCCTTTGGGGCCATATCTGCGCCCATAGCACACCTTGCAGTAGATCTCCGACTCATG-3'
Protein context (NP_003467.1, residues 62-82): YGRRYGPKGI[Gly72Arg]YGQGAGCLST

ClinVar aggregate classification (germline): Uncertain significance. Review status: criteria provided, multiple submitters, no conflicts (2 of 4 stars). 3 submissions from 3 submitters: Uncertain significance (3). Last evaluated 2025-05-05.

Conditions:
Dilated cardiomyopathy 1M (CMD1M). Identifiers: Orphanet 154, MedGen C1843808, MONDO:0011840, OMIM 607482.
Hypertrophic cardiomyopathy 12. Identifiers: MedGen C2677491, MONDO:0012804, OMIM 612124.
Cardiovascular phenotype. Identifiers: MedGen CN230736.

Allele frequency attached by ClinVar (database versions not stated): gnomAD exomes 0.00002 and 0.00003; TOPMed 0.00003; ESP Exome Variant Server 0.00015; ExAC 0.00003; gnomAD 0.00003.
gnomAD v4.1: 44 of 1,613,778 alleles (0.0027%); highest among the groups gnomAD compares: Non-Finnish European, 0.0034%; no homozygotes.

Submissions (3):

Labcorp Genetics (formerly Invitae), Labcorp
Classification: Uncertain significance for Hypertrophic cardiomyopathy 12; Dilated cardiomyopathy 1M. Last evaluated: 2025-05-05. Review status: criteria provided, single submitter. Criteria: Invitae Variant Classification Sherloc (09022015). Collection method: clinical testing. Allele origin: germline.
Comment: This sequence change replaces glycine, which is neutral and non-polar, with arginine, which is basic and polar, at codon 72 of the CSRP3 protein (p.Gly72Arg). This variant is present in population databases (rs45552933, gnomAD 0.005%). This missense change has been observed in individual(s) with dilated cardiomyopathy and/or heart failure (PMID: 19412328, 28878402). ClinVar contains an entry for this variant (Variation ID: 1055352). An algorithm developed to predict the effect of missense changes on protein structure and function (PolyPhen-2) suggests that this variant is likely to be disruptive. Algorithms developed to predict the effect of sequence changes on RNA splicing suggest that this variant may disrupt the consensus splice site. In summary, the available evidence is currently insufficient to determine the role of this variant in disease. Therefore, it has been classified as a Variant of Uncertain Significance.

Revvity Omics, Revvity
Classification: Uncertain significance. Last evaluated: 2024-09-12. Review status: criteria provided, single submitter. Criteria: ACMG Guidelines, 2015. Collection method: clinical testing. Allele origin: germline.

Ambry Genetics
Classification: Uncertain significance for Cardiovascular phenotype. Last evaluated: 2023-12-07. Review status: criteria provided, single submitter. Criteria: Ambry Variant Classification Scheme 2023. Collection method: clinical testing. Allele origin: germline.
Comment: The p.G72R variant (also known as c.214G>A), located in coding exon 2 of the CSRP3 gene, results from a G to A substitution at nucleotide position 214. The glycine at codon 72 is replaced by arginine, an amino acid with dissimilar properties. This variant has been reported in a dilated cardiomyopathy (DCM) case and in a third degree atrioventricular block case who had additional cardiac variants detected (Hershberger RE et al. Clin Transl Sci., 2008 May;1:21-6; Liu N et al. Sci Rep., 2017 09;7:10676). This variant has also been seen in an exome cohort, but cardiovascular history was not provided (Andreasen C et al. Eur J Hum Genet., 2013 Sep;21:918-28). This amino acid position is highly conserved in available vertebrate species. In addition, this alteration is predicted to be deleterious by in silico analysis. Since supporting evidence is limited at this time, the clinical significance of this alteration remains unclear.

Literature cited by the submitters: PubMed 19412328 (cited by Labcorp Genetics (formerly Invitae), Labcorp and Ambry Genetics); PubMed 28878402 (cited by Labcorp Genetics (formerly Invitae), Labcorp and Ambry Genetics); PubMed 22337857 (cited by Ambry Genetics); PubMed 23299917 (cited by Ambry Genetics); PubMed 30012424 (cited by Ambry Genetics).